The following is an entry in ClinVar:

ClinVar aggregate classification (germline): Uncertain significance (1 of 4 stars; one submission).

Allele frequency attached by ClinVar (database versions not stated): gnomAD exomes below 0.00001; TOPMed below 0.00001.
gnomAD v4.1: 6 of 1,612,790 alleles (0.00037%); highest among the groups gnomAD compares: Middle Eastern, 0.033%; no homozygotes.

Submission:

Ambry Genetics
Classification: Uncertain significance. Last evaluated: 2023-11-17. Review status: criteria provided, single submitter. Criteria: Ambry Variant Classification Scheme 2023. Collection method: clinical testing. Allele origin: germline.
Comment: The p.L19F variant (also known as c.55C>T), located in coding exon 1 of the ALPK2 gene, results from a C to T substitution at nucleotide position 55. The leucine at codon 19 is replaced by phenylalanine, an amino acid with highly similar properties. This amino acid position is conserved. In addition, this alteration is predicted to be tolerated by in silico analysis. Since supporting evidence is limited at this time, the clinical significance of this alteration remains unclear.

NM_052947.4(ALPK2):c.55C>T (p.Leu19Phe)

Gene: ALPK2 (alpha kinase 2; minus strand). Cytogenetic location: 18q21.32.
Variant type: single nucleotide variant.
Coding change: c.55C>T on transcript NM_052947.4 (MANE Select); coding-DNA position 55, C replaced by T.
Protein change: p.Leu19Phe; replaces leucine 19 with phenylalanine.
Molecular consequence: missense variant.
Genome position (GRCh38, 1-based): chr18:58,611,743, G>A on the plus strand (C>T on the coding strand, the complement: ALPK2 is on the minus strand). VCF-style: chr18-58611743-G-A. GRCh37 (hg19) VCF-style: chr18-56278975-G-A.
Other names: short protein forms L19F.
Identifiers: ClinVar variation 1748552 (VCV001748552.2), dbSNP rs1201105441, ClinGen allele CA402558059.